The following is an entry in ClinVar:

ClinVar aggregate classification (germline): Benign. Review status: criteria provided, multiple submitters, no conflicts (2 of 4 stars). 4 submissions from 4 submitters: Benign (4). Last evaluated 2026-02-04.

Allele frequency attached by ClinVar (database versions not stated): 1000 Genomes Project 30x 0.30637; 1000 Genomes Project 0.31729; ExAC 0.35480; gnomAD exomes 0.35916 and 0.37123; ESP Exome Variant Server 0.28464; TOPMed 0.28746; gnomAD 0.29697 and 0.30158.
gnomAD v4.1: 581,836 of 1,596,792 alleles (36%); highest among the groups gnomAD compares: East Asian, 56%; 111,129 homozygotes.

Submissions (4):

Labcorp Genetics (formerly Invitae), Labcorp
Classification: Benign. Last evaluated: 2026-02-04. Review status: criteria provided, single submitter. Criteria: Invitae Variant Classification Sherloc (09022015). Collection method: clinical testing. Allele origin: germline.

Unidad de Genómica Garrahan, Hospital de Pediatría Garrahan
Classification: Benign. Last evaluated: 2023-11-12. Review status: criteria provided, single submitter. Criteria: ACMG Guidelines, 2015. Collection method: clinical testing. Allele origin: germline. Affected: no. Observed: 55 variant alleles.
Comment: This variant is classified as Benign based on local population frequency. This variant was detected in 57% of patients studied by a panel of primary immunodeficiencies. Number of patients: 55. Only high quality variants are reported.

Laboratory for Molecular Medicine, Mass General Brigham Personalized Medicine
Classification: Benign. Last evaluated: 2016-03-28. Review status: criteria provided, single submitter. Criteria: LMM Criteria. Collection method: clinical testing. Allele origin: germline.
Comment: Variant identified in a genome or exome case(s) and assessed due to predicted null impact of the variant or pathogenic assertions in the literature or databases. Disclaimer: This variant has not undergone full assessment. The following are preliminary notes: Frequency

Breakthrough Genomics
Classification: Benign. Review status: criteria provided, single submitter. Criteria: ACMG Guidelines, 2015. Collection method: not provided. Allele origin: germline. Inheritance: Autosomal recessive inheritance. Affected: yes.

NM_000234.3(LIG1):c.17+12C>T

Gene: LIG1 (DNA ligase 1; minus strand). Cytogenetic location: 19q13.33.
Variant type: single nucleotide variant.
Coding change: c.17+12C>T on transcript NM_000234.3 (MANE Select); 12 bases into the intron after coding-DNA position 17, C replaced by T.
Molecular consequence: intron variant.
Genome position (GRCh38, 1-based): chr19:48,165,538, G>A on the plus strand (C>T on the coding strand, the complement: LIG1 is on the minus strand). VCF-style: chr19-48165538-G-A. GRCh37 (hg19) VCF-style: chr19-48668795-G-A.
Other names: c.17+12C>T (NM_001289063.2, NM_001320971.2, NM_001289064.2 and 1 more transcripts).
Identifiers: ClinVar variation 403038 (VCV000403038.17), dbSNP rs3730849, ClinGen allele CA9547480.